The following is an entry in ClinVar:

NM_001199397.3(NEK1):c.450T>C (p.Ala150=)

Gene: NEK1 (NIMA related kinase 1; minus strand). Cytogenetic location: 4q33.
Variant type: single nucleotide variant.
Coding change: c.450T>C on transcript NM_001199397.3 (MANE Select); coding-DNA position 450, T replaced by C.
Protein change: p.Ala150=; no amino-acid change (alanine 150 retained).
Molecular consequence: synonymous variant. On other transcripts: non-coding transcript variant (2).
Genome position (GRCh38, 1-based): chr4:169,589,461, A>G on the plus strand (T>C on the coding strand, the complement: NEK1 is on the minus strand). VCF-style: chr4-169589461-A-G. GRCh37 (hg19) VCF-style: chr4-170510612-A-G.
Other names: c.450T>C, p.Ala150= (NM_001199398.3, NM_001199399.3, NM_001199400.3 and 7 more transcripts).
Identifiers: ClinVar variation 512131 (VCV000512131.8), dbSNP rs1473425427, ClinGen allele CA442297276.

ClinVar aggregate classification (germline): Likely benign. Review status: criteria provided, multiple submitters, no conflicts (2 of 4 stars). 2 submissions from 2 submitters: Likely benign (2). Last evaluated 2024-12-02.

Conditions:
Short-rib thoracic dysplasia 6 with or without polydactyly (SRTD6). Also called: POLYDACTYLY WITH NEONATAL CHONDRODYSTROPHY, TYPE II; SHORT-RIB THORACIC DYSPLASIA 6 WITH POLYDACTYLY; SHORT RIB-POLYDACTYLY SYNDROME, TYPE IIA; Majewski Syndrome; SHORT-RIB THORACIC DYSPLASIA 6 WITHOUT POLYDACTYLY. Identifiers: MedGen C0024507, MONDO:0009894, OMIM 263520.

Allele frequency attached by ClinVar (database versions not stated): TOPMed 0.00001; gnomAD 0.00002 and 0.00003; gnomAD exomes 0.00002.
gnomAD v4.1: 27 of 1,511,320 alleles (0.0018%); highest among the groups gnomAD compares: Non-Finnish European, 0.0021%; no homozygotes.

Submissions (2):

Labcorp Genetics (formerly Invitae), Labcorp
Classification: Likely benign for Short-rib thoracic dysplasia 6 with or without polydactyly. Last evaluated: 2024-12-02. Review status: criteria provided, single submitter. Criteria: Invitae Variant Classification Sherloc (09022015). Collection method: clinical testing. Allele origin: germline.

GeneDx
Classification: Likely benign. Last evaluated: 2017-09-18. Review status: criteria provided, single submitter. Criteria: GeneDx Variant Classification (06012015). Collection method: clinical testing. Allele origin: germline. Affected: yes.
Comment: This variant is considered likely benign or benign based on one or more of the following criteria: it is a conservative change, it occurs at a poorly conserved position in the protein, it is predicted to be benign by multiple in silico algorithms, and/or has population frequency not consistent with disease.